The following is an entry in ClinVar:

ClinVar aggregate classification (germline): Uncertain significance. Review status: criteria provided, multiple submitters, no conflicts (2 of 4 stars). 2 submissions from 2 submitters: Uncertain significance (2). Last evaluated 2022-05-21.

Conditions:
Holoprosencephaly 9 (HPE9). Also called: HOLOPROSENCEPHALY WITH MICROPHTHALMIA AND FIRST BRANCHIAL ARCH ANOMALIES; PITUITARY ANOMALIES WITH HOLOPROSENCEPHALY-LIKE FEATURES. Identifiers: Orphanet 2162, MedGen C1835819, MONDO:0012563, OMIM 610829.
Postaxial polydactyly-anterior pituitary anomalies-facial dysmorphism syndrome. Also called: Culler-Jones syndrome. Identifiers: Orphanet 420584, MedGen C4014479, MONDO:0014369, OMIM 615849.

Allele frequency attached by ClinVar (database versions not stated): gnomAD 0.00001; gnomAD exomes 0.00001 and 0.00006; TOPMed 0.00002; ESP Exome Variant Server 0.00008.
gnomAD v4.1: 88 of 1,612,718 alleles (0.0055%); highest among the groups gnomAD compares: Non-Finnish European, 0.0073%; no homozygotes.

Submissions (2):

Labcorp Genetics (formerly Invitae), Labcorp
Classification: Uncertain significance for Postaxial polydactyly-anterior pituitary anomalies-facial dysmorphism syndrome; Holoprosencephaly 9. Last evaluated: 2022-05-21. Review status: criteria provided, single submitter. Criteria: Invitae Variant Classification Sherloc (09022015). Collection method: clinical testing. Allele origin: germline.
Comment: This sequence change replaces glutamine, which is neutral and polar, with arginine, which is basic and polar, at codon 1233 of the GLI2 protein (p.Gln1233Arg). This variant is present in population databases (rs377503122, gnomAD 0.004%). This variant has not been reported in the literature in individuals affected with GLI2-related conditions. ClinVar contains an entry for this variant (Variation ID: 330989). Algorithms developed to predict the effect of missense changes on protein structure and function (SIFT, PolyPhen-2, Align-GVGD) all suggest that this variant is likely to be tolerated. In summary, the available evidence is currently insufficient to determine the role of this variant in disease. Therefore, it has been classified as a Variant of Uncertain Significance.

Illumina Laboratory Services, Illumina
Classification: Uncertain significance for Holoprosencephaly 9. Last evaluated: 2018-01-13. Review status: criteria provided, single submitter. Criteria: ICSL Variant Classification Criteria 13 December 2019. Collection method: clinical testing. Allele origin: germline.

NM_001374353.1(GLI2):c.3647A>G (p.Gln1216Arg)

Gene: GLI2 (GLI family zinc finger 2; plus strand). Cytogenetic location: 2q14.2.
Variant type: single nucleotide variant.
Coding change: c.3647A>G on transcript NM_001374353.1 (MANE Select); coding-DNA position 3647, A replaced by G.
Protein change: p.Gln1216Arg; replaces glutamine 1216 with arginine.
Molecular consequence: missense variant.
Genome position (GRCh38, 1-based): chr2:120,989,612, A>G. VCF-style: chr2-120989612-A-G. GRCh37 (hg19) VCF-style: chr2-121747188-A-G.
Other names: c.3698A>G, p.Gln1233Arg (NM_001371271.1, NM_005270.5); c.3272A>G, p.Gln1091Arg (NM_001374354.1); short protein forms Q1233R, Q1216R, Q1091R.
Identifiers: ClinVar variation 330989 (VCV000330989.9), dbSNP rs377503122, ClinGen allele CA10611102.